The following is an entry in ClinVar:

NM_020859.4(SHROOM3):c.1413T>G (p.Pro471=)

Genes: SHROOM3 (shroom family member 3; plus strand), SHROOM3-AS1 (SHROOM3 antisense RNA 1; minus strand). Cytogenetic location: 4q21.1.
Variant type: single nucleotide variant.
Coding change: c.1413T>G on transcript NM_020859.4 (MANE Select); coding-DNA position 1413, T replaced by G.
Protein change: p.Pro471=; no amino-acid change (proline 471 retained).
Molecular consequence: synonymous variant.
Genome position (GRCh38, 1-based): chr4:76,739,586, T>G. VCF-style: chr4-76739586-T-G. GRCh37 (hg19) VCF-style: chr4-77660739-T-G.
Identifiers: ClinVar variation 3039604 (VCV003039604.2), dbSNP rs774107763, ClinGen allele CA2972365.
Genomic context (GRCh38, chr4:76,739,586, plus strand): 5'-CTATACCCAGAAGGCCCAACCTGGCCAACCTCTGCTGCCGACCAGCATCTACCCGGTACC[T>G]TCCCTGGAGCCACACTTTGCCCAGGTGCCTCAGCCTTCTGTGAGTAGCAACGGTATGCTC-3'
Protein context (NP_065910.3, residues 461-481): PLLPTSIYPV[Pro471=]SLEPHFAQVP

ClinVar aggregate classification (germline): Likely benign (0 of 4 stars; one submission).

Conditions:
SHROOM3-related disorder. Also called: SHROOM3-related condition.

Allele frequency attached by ClinVar (database versions not stated): ExAC 0.00001.

Submission:

PreventionGenetics, part of Exact Sciences
Classification: Likely benign for SHROOM3-related condition. Last evaluated: 2019-05-27. Review status: no assertion criteria provided. Collection method: clinical testing. Allele origin: germline.
Comment: This variant is classified as likely benign based on ACMG/AMP sequence variant interpretation guidelines (Richards et al. 2015 PMID: 25741868, with internal and published modifications).